The following is an entry in ClinVar:

NM_015178.3(RHOBTB2):c.2116A>G (p.Ser706Gly)

Gene: RHOBTB2 (Rho related BTB domain containing 2; plus strand). Cytogenetic location: 8p21.3.
Variant type: single nucleotide variant.
Coding change: c.2116A>G on transcript NM_015178.3 (MANE Select); coding-DNA position 2116, A replaced by G.
Protein change: p.Ser706Gly; replaces serine 706 with glycine.
Molecular consequence: missense variant.
Genome position (GRCh38, 1-based): chr8:23,017,401, A>G. VCF-style: chr8-23017401-A-G. GRCh37 (hg19) VCF-style: chr8-22874914-A-G.
Other names: c.2182A>G, p.Ser728Gly (NM_001160036.2); c.2137A>G, p.Ser713Gly (NM_001160037.2); c.2116A>G, p.Ser706Gly (NM_001374791.1); short protein forms S713G, S706G, S728G.
Identifiers: ClinVar variation 3670112 (VCV003670112.2).

ClinVar aggregate classification (germline): Uncertain significance (1 of 4 stars; one submission).

gnomAD v4.1: 5 of 1,613,858 alleles (0.00031%); highest among the groups gnomAD compares: African/African-American, 0.0013%; no homozygotes.

Submission:

Labcorp Genetics (formerly Invitae), Labcorp
Classification: Uncertain significance. Last evaluated: 2024-06-17. Review status: criteria provided, single submitter. Criteria: Invitae Variant Classification Sherloc (09022015). Collection method: clinical testing. Allele origin: germline.
Comment: This sequence change replaces serine, which is neutral and polar, with glycine, which is neutral and non-polar, at codon 728 of the RHOBTB2 protein (p.Ser728Gly). This variant is present in population databases (rs767577692, gnomAD 0.003%). This variant has not been reported in the literature in individuals affected with RHOBTB2-related conditions. Algorithms developed to predict the effect of missense changes on protein structure and function output the following: SIFT: "Not Available"; PolyPhen-2: "Not Available"; Align-GVGD: "Not Available". The glycine amino acid residue is found in multiple mammalian species, which suggests that this missense change does not adversely affect protein function. In summary, the available evidence is currently insufficient to determine the role of this variant in disease. Therefore, it has been classified as a Variant of Uncertain Significance.